The following is an entry in ClinVar:

ClinVar aggregate classification (germline): Uncertain significance (1 of 4 stars; one submission).

Conditions:
Complex neurodevelopmental disorder. Identifiers: Orphanet 528084, MedGen C5568766, MONDO:0100038.

gnomAD v4.1: 3 of 1,552,008 alleles (0.00019%); highest among the groups gnomAD compares: Non-Finnish European, 0.00026%; no homozygotes.

Submission:

Dasa
Classification: Uncertain significance for Complex neurodevelopmental disorder. Last evaluated: 2026-01-05. Review status: criteria provided, single submitter. Criteria: DASA Assertion Criteria. Collection method: clinical testing. Allele origin: germline.
Comment: NM_001170629.2(CHD8):c.7202T>C (p.Val2401Ala) is a missense variant that results in the substitution of valine with alanine. This variant is rare in population databases. The currently available literature and clinical evidence are not sufficient to establish a definitive association between this variant and the reported condition. Therefore, this variant is classified as a variant of uncertain significance.

NM_001170629.2(CHD8):c.7202T>C (p.Val2401Ala)

Gene: CHD8 (chromodomain helicase DNA binding protein 8; minus strand). Cytogenetic location: 14q11.2.
Variant type: single nucleotide variant.
Coding change: c.7202T>C on transcript NM_001170629.2 (MANE Select); coding-DNA position 7202, T replaced by C.
Protein change: p.Val2401Ala; replaces valine 2401 with alanine.
Molecular consequence: missense variant.
Genome position (GRCh38, 1-based): chr14:21,386,157, A>G on the plus strand (T>C on the coding strand, the complement: CHD8 is on the minus strand). VCF-style: chr14-21386157-A-G. GRCh37 (hg19) VCF-style: chr14-21854316-A-G.
Other names: c.6365T>C, p.Val2122Ala (NM_020920.4); short protein forms V2122A, V2401A.
Identifiers: ClinVar variation 4882982 (VCV004882982.2).